The following is an entry in ClinVar:

ClinVar aggregate classification (germline): Uncertain significance (1 of 4 stars; one submission).

gnomAD v4.1: 2 of 1,613,306 alleles (0.00012%); highest among the groups gnomAD compares: Non-Finnish European, 0.00017%; no homozygotes.

Submission:

GeneDx
Classification: Uncertain significance. Last evaluated: 2024-10-11. Review status: criteria provided, single submitter. Criteria: GeneDx Variant Classification Process June 2021. Collection method: clinical testing. Allele origin: germline. Affected: yes.
Comment: Not observed at significant frequency in large population cohorts (gnomAD); In silico analysis indicates that this missense variant does not alter protein structure/function; Has not been previously published as pathogenic or benign to our knowledge

NM_000540.3(RYR1):c.5158G>A (p.Glu1720Lys)

Gene: RYR1 (ryanodine receptor 1; plus strand). Cytogenetic location: 19q13.2.
Variant type: single nucleotide variant.
Coding change: c.5158G>A on transcript NM_000540.3 (MANE Select); coding-DNA position 5158, G replaced by A.
Protein change: p.Glu1720Lys; replaces glutamic acid 1720 with lysine.
Molecular consequence: missense variant.
Genome position (GRCh38, 1-based): chr19:38,485,813, G>A. VCF-style: chr19-38485813-G-A. GRCh37 (hg19) VCF-style: chr19-38976453-G-A.
Other names: c.5158G>A, p.Glu1720Lys (NM_001042723.2); short protein forms E1720K.
Identifiers: ClinVar variation 3781098 (VCV003781098.1).